The following is an entry in ClinVar:

NM_003737.4(DCHS1):c.1349C>T (p.Pro450Leu)

Gene: DCHS1 (dachsous cadherin-related 1; minus strand). Cytogenetic location: 11p15.4.
Variant type: single nucleotide variant.
Coding change: c.1349C>T on transcript NM_003737.4 (MANE Select); coding-DNA position 1349, C replaced by T.
Protein change: p.Pro450Leu; replaces proline 450 with leucine.
Molecular consequence: missense variant.
Genome position (GRCh38, 1-based): chr11:6,640,265, G>A on the plus strand (C>T on the coding strand, the complement: DCHS1 is on the minus strand). VCF-style: chr11-6640265-G-A. GRCh37 (hg19) VCF-style: chr11-6661496-G-A.
Other names: short protein forms P450L.
Identifiers: ClinVar variation 2999717 (VCV002999717.3), dbSNP rs985892268, ClinGen allele CA217302841.

ClinVar aggregate classification (germline): Uncertain significance (1 of 4 stars; one submission).

Allele frequency attached by ClinVar (database versions not stated): gnomAD exomes below 0.00001.
gnomAD v4.1: 3 of 1,610,110 alleles (0.00019%); highest among the groups gnomAD compares: Middle Eastern, 0.017%; no homozygotes.

Submission:

Labcorp Genetics (formerly Invitae), Labcorp
Classification: Uncertain significance. Last evaluated: 2025-05-27. Review status: criteria provided, single submitter. Criteria: Invitae Variant Classification Sherloc (09022015). Collection method: clinical testing. Allele origin: germline.
Comment: This sequence change replaces proline, which is neutral and non-polar, with leucine, which is neutral and non-polar, at codon 450 of the DCHS1 protein (p.Pro450Leu). This variant is not present in population databases (gnomAD no frequency). This variant has not been reported in the literature in individuals affected with DCHS1-related conditions. ClinVar contains an entry for this variant (Variation ID: 2999717). Invitae Evidence Modeling of protein sequence and biophysical properties (such as structural, functional, and spatial information, amino acid conservation, physicochemical variation, residue mobility, and thermodynamic stability) indicates that this missense variant is not expected to disrupt DCHS1 protein function with a negative predictive value of 80%. In summary, the available evidence is currently insufficient to determine the role of this variant in disease. Therefore, it has been classified as a Variant of Uncertain Significance.